The following is an entry in ClinVar:

ClinVar aggregate classification (germline): Likely pathogenic. Review status: criteria provided, multiple submitters, no conflicts (2 of 4 stars). 2 submissions from 2 submitters: Likely pathogenic (2). Last evaluated 2024-01-16.

Conditions:
Multiple acyl-CoA dehydrogenase deficiency (MADD). Also called: ETHYLMALONIC-ADIPICACIDURIA; GA II; Glutaric aciduria, type 2; Glutaric acidemia type II; GA 2; Glutaric Acidemia type 2. Identifiers: Orphanet 26791, MedGen C0268596, MONDO:0009282, OMIM 231680.

Submissions (2):

Baylor Genetics
Classification: Likely pathogenic for Multiple acyl-CoA dehydrogenase deficiency. Last evaluated: 2024-01-16. Review status: criteria provided, single submitter. Criteria: ACMG Guidelines, 2015. Collection method: clinical testing. Allele origin: unknown.

Labcorp Genetics (formerly Invitae), Labcorp
Classification: Likely pathogenic for Multiple acyl-CoA dehydrogenase deficiency. Last evaluated: 2023-08-28. Review status: criteria provided, single submitter. Criteria: Invitae Variant Classification Sherloc (09022015). Collection method: clinical testing. Allele origin: germline.
Comment: This variant has not been reported in the literature in individuals affected with ETFA-related conditions. In summary, the currently available evidence indicates that the variant is pathogenic, but additional data are needed to prove that conclusively. Therefore, this variant has been classified as Likely Pathogenic. Algorithms developed to predict the effect of sequence changes on RNA splicing suggest that this variant may disrupt the consensus splice site. This variant is not present in population databases (gnomAD no frequency). This sequence change affects a donor splice site in intron 1 of the ETFA gene. It is expected to disrupt RNA splicing. Variants that disrupt the donor or acceptor splice site typically lead to a loss of protein function (PMID: 16199547), and loss-of-function variants in ETFA are known to be pathogenic (PMID: 16510302, 23785301).

Literature cited by the submitters: PubMed 16199547 (cited by Labcorp Genetics (formerly Invitae), Labcorp); PubMed 16510302 (cited by Labcorp Genetics (formerly Invitae), Labcorp); PubMed 23785301 (cited by Labcorp Genetics (formerly Invitae), Labcorp).

NM_000126.4(ETFA):c.39+1G>A

Gene: ETFA (electron transfer flavoprotein subunit alpha; minus strand). Cytogenetic location: 15q24.3.
Variant type: single nucleotide variant.
Coding change: c.39+1G>A on transcript NM_000126.4 (MANE Select); the canonical splice donor site of the intron after coding-DNA position 39, G replaced by A.
Molecular consequence: splice donor variant.
Genome position (GRCh38, 1-based): chr15:76,311,349, C>T on the plus strand (G>A on the coding strand, the complement: ETFA is on the minus strand). VCF-style: chr15-76311349-C-T. GRCh37 (hg19) VCF-style: chr15-76603690-C-T.
Other names: c.39+1G>A (NM_001127716.2).
Identifiers: ClinVar variation 2755271 (VCV002755271.4), dbSNP rs2543051746, ClinGen allele CA393519504.